The following is an entry in ClinVar:

ClinVar aggregate classification (germline): Conflicting classifications of pathogenicity. Review status: criteria provided, conflicting classifications (1 of 4 stars). 2 submissions from 2 submitters: Uncertain significance (1); Likely benign (1). Last evaluated 2024-10-27.

Conditions:
Cardiovascular phenotype. Identifiers: MedGen CN230736.
Arrhythmogenic cardiomyopathy with wooly hair and keratoderma. Also called: Dilated cardiomyopathy with woolly hair and keratoderma; Arrhythmogenic cardiomyopathy with woolly hair and keratoderma; PALMOPLANTAR KERATODERMA WITH LEFT VENTRICULAR CARDIOMYOPATHY AND WOOLLY HAIR; Carvajal syndrome. Identifiers: Orphanet 65282, MedGen C1854063, MONDO:0011581, OMIM 605676.
Arrhythmogenic right ventricular dysplasia 8 (ARVD8). Also called: Arrhythmogenic Right Ventricular Dysplasia/Cardiomyopathy 8; ARRHYTHMOGENIC RIGHT VENTRICULAR DYSPLASIA, FAMILIAL, 8; ARRHYTHMOGENIC RIGHT VENTRICULAR CARDIOMYOPATHY 8. Identifiers: MedGen C1843896, MONDO:0011831, OMIM 607450.

Allele frequency attached by ClinVar (database versions not stated): gnomAD 0.00001; TOPMed 0.00001.
gnomAD v4.1: 10 of 1,613,986 alleles (0.00062%); highest among the groups gnomAD compares: Admixed American, 0.005%; no homozygotes.

Submissions (2):

Labcorp Genetics (formerly Invitae), Labcorp
Classification: Likely benign for Arrhythmogenic cardiomyopathy with wooly hair and keratoderma; Arrhythmogenic right ventricular dysplasia 8. Last evaluated: 2024-10-27. Review status: criteria provided, single submitter. Criteria: Invitae Variant Classification Sherloc (09022015). Collection method: clinical testing. Allele origin: germline.

Ambry Genetics
Classification: Uncertain significance for Cardiovascular phenotype. Last evaluated: 2019-01-02. Review status: criteria provided, single submitter. Criteria: Ambry Variant Classification Scheme 2023. Collection method: clinical testing. Allele origin: germline.
Comment: The p.R2752W variant (also known as c.8254C>T), located in coding exon 24 of the DSP gene, results from a C to T substitution at nucleotide position 8254. The arginine at codon 2752 is replaced by tryptophan, an amino acid with dissimilar properties. This amino acid position is highly conserved in available vertebrate species. In addition, this alteration is predicted to be deleterious by in silico analysis. Since supporting evidence is limited at this time, the clinical significance of this alteration remains unclear.

NM_004415.4(DSP):c.8254C>T (p.Arg2752Trp)

Gene: DSP (desmoplakin; plus strand). Cytogenetic location: 6p24.3.
Variant type: single nucleotide variant.
Coding change: c.8254C>T on transcript NM_004415.4 (MANE Select); coding-DNA position 8254, C replaced by T.
Protein change: p.Arg2752Trp; replaces arginine 2752 with tryptophan.
Molecular consequence: missense variant.
Genome position (GRCh38, 1-based): chr6:7,585,516, C>T. VCF-style: chr6-7585516-C-T. GRCh37 (hg19) VCF-style: chr6-7585749-C-T.
Other names: c.6457C>T, p.Arg2153Trp (NM_001008844.3); c.6925C>T, p.Arg2309Trp (NM_001319034.2); short protein forms R2309W, R2153W, R2752W.
Identifiers: ClinVar variation 1762639 (VCV001762639.4), dbSNP rs1350712964, ClinGen allele CA362694770.